The following is an entry in ClinVar:

NM_000744.7(CHRNA4):c.1861C>A (p.Pro621Thr)

Gene: CHRNA4 (cholinergic receptor nicotinic alpha 4 subunit; minus strand). Cytogenetic location: 20q13.33.
Variant type: single nucleotide variant.
Coding change: c.1861C>A on transcript NM_000744.7 (MANE Select); coding-DNA position 1861, C replaced by A.
Protein change: p.Pro621Thr; replaces proline 621 with threonine.
Molecular consequence: missense variant. On other transcripts: non-coding transcript variant (1).
Genome position (GRCh38, 1-based): chr20:63,346,761, G>T on the plus strand (C>A on the coding strand, the complement: CHRNA4 is on the minus strand). VCF-style: chr20-63346761-G-T. GRCh37 (hg19) VCF-style: chr20-61978113-G-T.
Other names: p.P621T:CCC>ACC; c.1333C>A, p.Pro445Thr (NM_001256573.2); short protein forms P621T, P445T.
Identifiers: ClinVar variation 205041 (VCV000205041.16), dbSNP rs199852690, ClinGen allele CA313601.

ClinVar aggregate classification (germline): Conflicting classifications of pathogenicity. Review status: criteria provided, conflicting classifications (1 of 4 stars). 3 submissions from 3 submitters: Uncertain significance (1); Likely benign (2). Last evaluated 2025-06-15.

Conditions:
Familial sleep-related hypermotor epilepsy. Also called: Autosomal Dominant Sleep-Related Hypermotor (Hyperkinetic) Epilepsy. Identifiers: Orphanet 98784, MedGen C3696898, MONDO:0000030.
Autosomal dominant nocturnal frontal lobe epilepsy 1. Also called: CHRNA4-Related Nocturnal Frontal Lobe Epilepsy, Autosomal Dominant; EPILEPSY, NOCTURNAL FRONTAL LOBE, TYPE 1. Identifiers: Orphanet 98784, MedGen C1838049, MONDO:0010899, OMIM 600513.

Allele frequency attached by ClinVar (database versions not stated): gnomAD 0.00010 and 0.00009; TOPMed 0.00023; 1000 Genomes Project 30x 0.00031; 1000 Genomes Project 0.00040; ExAC 0.00002.

Submissions (3):

Labcorp Genetics (formerly Invitae), Labcorp
Classification: Likely benign. Last evaluated: 2025-06-15. Review status: criteria provided, single submitter. Criteria: Invitae Variant Classification Sherloc (09022015). Collection method: clinical testing. Allele origin: germline.

Revvity Omics, Revvity
Classification: Uncertain significance for Autosomal dominant nocturnal frontal lobe epilepsy 1. Last evaluated: 2021-05-24. Review status: criteria provided, single submitter. Criteria: ACMG Guidelines, 2015. Collection method: clinical testing. Allele origin: germline.

GeneDx
Classification: Likely benign. Last evaluated: 2020-09-22. Review status: criteria provided, single submitter. Criteria: GeneDx Variant Classification Process June 2021. Collection method: clinical testing. Allele origin: germline. Affected: yes.
Comment: In silico analysis, which includes protein predictors and evolutionary conservation, supports a deleterious effect; Has not been previously published as pathogenic or benign to our knowledge